The following is an entry in ClinVar:

NM_000327.4(ROM1):c.167C>T (p.Ser56Phe)

Gene: ROM1 (retinal outer segment membrane protein 1; plus strand). Cytogenetic location: 11q12.3.
Variant type: single nucleotide variant.
Coding change: c.167C>T on transcript NM_000327.4 (MANE Select); coding-DNA position 167, C replaced by T.
Protein change: p.Ser56Phe; replaces serine 56 with phenylalanine.
Molecular consequence: missense variant.
Genome position (GRCh38, 1-based): chr11:62,613,448, C>T. VCF-style: chr11-62613448-C-T. GRCh37 (hg19) VCF-style: chr11-62380920-C-T.
Other names: short protein forms S56F.
Identifiers: ClinVar variation 498297 (VCV000498297.15), dbSNP rs199847029, ClinGen allele CA6049657.

ClinVar aggregate classification (germline): Uncertain significance. Review status: criteria provided, multiple submitters, no conflicts (2 of 4 stars). 5 submissions from 5 submitters: Uncertain significance (5). Last evaluated 2025-12-26.

Conditions:
Retinitis pigmentosa 7 (RP7). Identifiers: Orphanet 791, MedGen C1842475, MONDO:0011974, OMIM 608133.

Allele frequency attached by ClinVar (database versions not stated): TOPMed 0.00003; 1000 Genomes Project 0.00020; 1000 Genomes Project 30x 0.00031.

Submissions (5):

Labcorp Genetics (formerly Invitae), Labcorp
Classification: Uncertain significance. Last evaluated: 2025-12-26. Review status: criteria provided, single submitter. Criteria: Invitae Variant Classification Sherloc (09022015). Collection method: clinical testing. Allele origin: germline.
Comment: This sequence change replaces serine, which is neutral and polar, with phenylalanine, which is neutral and non-polar, at codon 56 of the ROM1 protein (p.Ser56Phe). This variant is present in population databases (rs199847029, gnomAD 0.02%). This variant has not been reported in the literature in individuals affected with ROM1-related conditions. ClinVar contains an entry for this variant (Variation ID: 498297). Invitae Evidence Modeling of protein sequence and biophysical properties (such as structural, functional, and spatial information, amino acid conservation, physicochemical variation, residue mobility, and thermodynamic stability) indicates that this missense variant is not expected to disrupt ROM1 protein function with a negative predictive value of 80%. In summary, the available evidence is currently insufficient to determine the role of this variant in disease. Therefore, it has been classified as a Variant of Uncertain Significance.

Blueprint Genetics
Classification: Uncertain significance. Last evaluated: 2024-11-27. Review status: criteria provided, single submitter. Criteria: ACMG Guidelines, 2015. Collection method: clinical testing. Allele origin: germline.

Ambry Genetics
Classification: Uncertain significance. Last evaluated: 2021-09-16. Review status: criteria provided, single submitter. Criteria: Ambry Variant Classification Scheme 2023. Collection method: clinical testing. Allele origin: germline.

Baylor Genetics
Classification: Uncertain significance for Retinitis pigmentosa 7. Last evaluated: 2020-06-03. Review status: criteria provided, single submitter. Criteria: ACMG Guidelines, 2015. Collection method: clinical testing. Allele origin: unknown. Affected: yes.
Comment: This variant was determined to be of uncertain significance according to ACMG Guidelines, 2015 [PMID:25741868].

Eurofins Ntd Llc (ga)
Classification: Uncertain significance. Last evaluated: 2016-11-21. Review status: criteria provided, single submitter. Criteria: EGL Classification Definitions 2015. Collection method: clinical testing. Allele origin: germline. Observed: 1 variant allele, 1 heterozygote.